The following is an entry in ClinVar:

NM_000264.5(PTCH1):c.2152T>C (p.Ser718Pro)

Genes: PTCH1 (patched 1; minus strand), LOC100507346 (uncharacterized LOC100507346; plus strand). Cytogenetic location: 9q22.32.
Variant type: single nucleotide variant.
Coding change: c.2152T>C on transcript NM_000264.5 (MANE Select); coding-DNA position 2152, T replaced by C.
Protein change: p.Ser718Pro; replaces serine 718 with proline.
Molecular consequence: missense variant. On other transcripts: non-coding transcript variant (2).
Genome position (GRCh38, 1-based): chr9:95,468,849, A>G on the plus strand (T>C on the coding strand, the complement: PTCH1 is on the minus strand). VCF-style: chr9-95468849-A-G. GRCh37 (hg19) VCF-style: chr9-98231131-A-G.
Other names: c.1954T>C, p.Ser652Pro (NM_001083602.3); c.2149T>C, p.Ser717Pro (NM_001083603.3); c.1699T>C, p.Ser567Pro (NM_001083604.3, NM_001083605.3, NM_001083606.3 and 1 more transcripts); c.1996T>C, p.Ser666Pro (NM_001354918.2); short protein forms S652P, S567P, S717P, S718P, S666P.
Identifiers: ClinVar variation 5027518 (VCV005027518.1).
Genomic context (GRCh38, chr9:95,468,849, plus strand): 5'-TCTCAGCAAAAGATGAGAGTGTCCACTTCGTACAGGGGGGCTCGAGGCAGTGGAGGCTGG[A>G]GTCGGAGAACTGGGAGAGCAGGTCCCTTGTGGAGCTGGTGCTCTCTGGGCTCTGGCAGCT-3'
Protein context (NP_000255.2, residues 708-728): TRDLLSQFSD[Ser718Pro]SLHCLEPPCT

ClinVar aggregate classification (germline): Uncertain significance (1 of 4 stars; one submission).

Conditions:
Hereditary cancer-predisposing syndrome. Also called: Neoplastic Syndromes, Hereditary; Tumor predisposition; Hereditary neoplastic syndrome; Hereditary Cancer Syndrome. Identifiers: Orphanet 140162, MedGen C0027672, MeSH D009386, MONDO:0015356.

gnomAD v4.1: 1 of 1,614,176 alleles (0.000062%); highest among the groups gnomAD compares: East Asian, 0.0022%; no homozygotes.

Submission:

Ambry Genetics
Classification: Uncertain significance for Hereditary cancer-predisposing syndrome. Last evaluated: 2026-07-17. Review status: criteria provided, single submitter. Criteria: Ambry Variant Classification Scheme 2023. Collection method: clinical testing. Allele origin: germline.
Comment: The p.S718P variant (also known as c.2152T>C), located in coding exon 14 of the PTCH1 gene, results from a T to C substitution at nucleotide position 2152. The serine at codon 718 is replaced by proline, an amino acid with similar properties. This amino acid position is conserved. In addition, the in silico prediction for this alteration is inconclusive. Based on the available evidence, the clinical significance of this variant remains unclear.